The following is an entry in ClinVar:

ClinVar aggregate classification (germline): Uncertain significance (1 of 4 stars; one submission).

Submission:

Women's Health and Genetics/Laboratory Corporation of America, LabCorp
Classification: Uncertain significance. Last evaluated: 2025-02-24. Review status: criteria provided, single submitter. Criteria: LabCorp Variant Classification Summary - May 2015. Collection method: clinical testing. Allele origin: germline.
Comment: Variant summary: DCHS1 c.8659G>C (p.Gly2887Arg) results in a non-conservative amino acid change located in the Cadherin-like repeats (IPR002126) of the encoded protein sequence. Three of five in-silico tools predict a damaging effect of the variant on protein function. The variant was absent in 184768 control chromosomes. The available data on variant occurrences in the general population are insufficient to allow any conclusion about variant significance. To our knowledge, no occurrence of c.8659G>C in individuals affected with DCHS1-Related Disorders and no experimental evidence demonstrating its impact on protein function have been reported. No submitters have cited clinical-significance assessments for this variant to ClinVar. Based on the evidence outlined above, the variant was classified as uncertain significance.

NM_003737.4(DCHS1):c.8659G>C (p.Gly2887Arg)

Gene: DCHS1 (dachsous cadherin-related 1; minus strand). Cytogenetic location: 11p15.4.
Variant type: single nucleotide variant.
Coding change: c.8659G>C on transcript NM_003737.4 (MANE Select); coding-DNA position 8659, G replaced by C.
Protein change: p.Gly2887Arg; replaces glycine 2887 with arginine.
Molecular consequence: missense variant.
Genome position (GRCh38, 1-based): chr11:6,623,017, C>G on the plus strand (G>C on the coding strand, the complement: DCHS1 is on the minus strand). VCF-style: chr11-6623017-C-G. GRCh37 (hg19) VCF-style: chr11-6644248-C-G.
Other names: short protein forms G2887R.
Identifiers: ClinVar variation 3768856 (VCV003768856.1).
Genomic context (GRCh38, chr11:6,623,017, plus strand): 5'-GCCCCCGTGCTATCACCTCCAGCCTCAGCTCCCGTGGTGCTTCCCGCCGGGTCCGGCCCC[C>G]ACCCCCAGAGGTGGCTGTTCCGCTGCCTGGTGCCCGACTGTCCACCCGCAGGTACAGGGC-3'
Protein context (NP_003728.1, residues 2877-2897): PGSGTATSGG[Gly2887Arg]GRTRREAPRE